The following is an entry in ClinVar:

ClinVar aggregate classification (germline): Uncertain significance (1 of 4 stars; one submission).

gnomAD v4.1: 2 of 1,613,382 alleles (0.00012%); highest among the groups gnomAD compares: Non-Finnish European, 0.00017%; no homozygotes.

Submission:

Labcorp Genetics (formerly Invitae), Labcorp
Classification: Uncertain significance. Last evaluated: 2025-11-08. Review status: criteria provided, single submitter. Criteria: Invitae Variant Classification Sherloc (09022015). Collection method: clinical testing. Allele origin: germline.
Comment: This sequence change replaces valine, which is neutral and non-polar, with alanine, which is neutral and non-polar, at codon 1870 of the PCDH15 protein (p.Val1870Ala). This variant is present in population databases (no rsID available, gnomAD 0.0009%). This variant has not been reported in the literature in individuals affected with PCDH15-related conditions. Invitae Evidence Modeling of protein sequence and biophysical properties (such as structural, functional, and spatial information, amino acid conservation, physicochemical variation, residue mobility, and thermodynamic stability) indicates that this missense variant is not expected to disrupt PCDH15 protein function with a negative predictive value of 95%. In summary, the available evidence is currently insufficient to determine the role of this variant in disease. Therefore, it has been classified as a Variant of Uncertain Significance.

NM_033056.4(PCDH15):c.5609T>C (p.Val1870Ala)

Gene: PCDH15 (protocadherin related 15; minus strand). Cytogenetic location: 10q21.1.
Variant type: single nucleotide variant.
Coding change: c.5609T>C on transcript NM_033056.4 (MANE Plus Clinical); coding-DNA position 5609, T replaced by C.
Protein change: p.Val1870Ala; replaces valine 1870 with alanine.
Molecular consequence: missense variant. On other transcripts: intron variant (8).
Genome position (GRCh38, 1-based): chr10:53,822,117, A>G on the plus strand (T>C on the coding strand, the complement: PCDH15 is on the minus strand). VCF-style: chr10-53822117-A-G. GRCh37 (hg19) VCF-style: chr10-55581877-A-G.
Other names: c.5615T>C, p.Val1872Ala (NM_001142764.2); c.5402T>C, p.Val1801Ala (NM_001142765.2); c.5600T>C, p.Val1867Ala (NM_001142766.2); c.5489T>C, p.Val1830Ala (NM_001142767.2); c.5549T>C, p.Val1850Ala (NM_001142768.2); c.5540T>C, p.Val1847Ala (NM_001142773.2); c.5543T>C, p.Val1848Ala (NM_001354404.2); c.4367+5276T>C (NM_001354420.2); and 7 more; short protein forms V1830A, V1847A, V1870A, V1877A, V1848A, V1850A, V1801A, V1867A.
Identifiers: ClinVar variation 4705471 (VCV004705471.1).
Genomic context (GRCh38, chr10:53,822,117, plus strand): 5'-GCTAAGTTTTTAACGTGTCTGAGGATGCCTTTTGGTTCTCTCTGAGGGTCTGTTTTACAC[A>G]CTGTCGTTGTTGATAGCTGTGTCATAGAGGACTTAATTTTCTCGGCAGGCATCAAGTTGG-3'
Protein context (NP_149045.3, residues 1860-1880): SSMTQLSTTT[Val1870Ala]CKTDPQREPK